The following is an entry in ClinVar:

NM_000355.4(TCN2):c.1191T>C (p.Leu397=)

Gene: TCN2 (transcobalamin 2; plus strand). Cytogenetic location: 22q12.2.
Variant type: single nucleotide variant.
Coding change: c.1191T>C on transcript NM_000355.4 (MANE Select); coding-DNA position 1191, T replaced by C.
Protein change: p.Leu397=; no amino-acid change (leucine 397 retained).
Molecular consequence: synonymous variant.
Genome position (GRCh38, 1-based): chr22:30,623,052, T>C. VCF-style: chr22-30623052-T-C. GRCh37 (hg19) VCF-style: chr22-31019039-T-C.
Other names: c.1191T>C (NM_000355.3); c.1110T>C, p.Leu370= (NM_001184726.2).
Identifiers: ClinVar variation 2064657 (VCV002064657.5), dbSNP rs142590268, ClinGen allele CA10185014.

ClinVar aggregate classification (germline): Likely benign. Review status: criteria provided, multiple submitters, no conflicts (2 of 4 stars). 2 submissions from 2 submitters: Likely benign (2). Last evaluated 2025-06-16.

Conditions:
Transcobalamin II deficiency (TCN2D). Also called: TC II DEFICIENCY; TCN2 DEFICIENCY; Transcolabamin II deficiency. Identifiers: Orphanet 859, MedGen C0342701, MONDO:0010149, OMIM 275350.
TCN2-related disorder. Also called: TCN2-related condition.

Allele frequency attached by ClinVar (database versions not stated): ExAC 0.00002; gnomAD exomes 0.00002; gnomAD 0.00003; TOPMed 0.00004; ESP Exome Variant Server 0.00015.
gnomAD v4.1: 33 of 1,613,706 alleles (0.002%); highest among the groups gnomAD compares: Non-Finnish European, 0.0028%; no homozygotes.

Submissions (2):

PreventionGenetics, part of Exact Sciences
Classification: Likely benign for TCN2-related condition. Last evaluated: 2025-06-16. Review status: criteria provided, single submitter. Criteria: ACMG Guidelines, 2015. Collection method: clinical testing. Allele origin: germline.
Comment: This variant is classified as likely benign based on ACMG/AMP sequence variant interpretation guidelines (Richards et al. 2015 PMID: 25741868, with internal and published modifications).

Labcorp Genetics (formerly Invitae), Labcorp
Classification: Likely benign for Transcobalamin II deficiency. Last evaluated: 2024-10-31. Review status: criteria provided, single submitter. Criteria: Invitae Variant Classification Sherloc (09022015). Collection method: clinical testing. Allele origin: germline.